The following is an entry in ClinVar:

ClinVar aggregate classification (germline): Uncertain significance (1 of 4 stars; one submission).

Submission:

Ambry Genetics
Classification: Uncertain significance. Last evaluated: 2021-07-08. Review status: criteria provided, single submitter. Criteria: Ambry Variant Classification Scheme 2023. Collection method: clinical testing. Allele origin: germline.
Comment: The p.Q2275R variant (also known as c.6824A>G), located in coding exon 51 of the PRKDC gene, results from an A to G substitution at nucleotide position 6824. The glutamine at codon 2275 is replaced by arginine, an amino acid with highly similar properties. This amino acid position is conserved. Since supporting evidence is limited at this time, the clinical significance of this alteration remains unclear.

NM_006904.7(PRKDC):c.6824A>G (p.Gln2275Arg)

Gene: PRKDC (protein kinase, DNA-activated, catalytic subunit; minus strand). Cytogenetic location: 8q11.21.
Variant type: single nucleotide variant.
Coding change: c.6824A>G on transcript NM_006904.7 (MANE Select); coding-DNA position 6824, A replaced by G.
Protein change: p.Gln2275Arg; replaces glutamine 2275 with arginine.
Molecular consequence: missense variant.
Genome position (GRCh38, 1-based): chr8:47,854,152, T>C on the plus strand (A>G on the coding strand, the complement: PRKDC is on the minus strand). VCF-style: chr8-47854152-T-C. GRCh37 (hg19) VCF-style: chr8-48766713-T-C.
Other names: c.6824A>G, p.Gln2275Arg (NM_001081640.2); short protein forms Q2275R.
Identifiers: ClinVar variation 1755654 (VCV001755654.2), dbSNP rs2551869263, ClinGen allele CA371158503.
Genomic context (GRCh38, chr8:47,854,152, plus strand): 5'-TGGATGCCACACTGTGGGTCATAGGGAGGCAGGTCATTGGCCATCACGATGCCTAGCAAT[T>C]GAATCCCTACTGAGTTGTCTTTAGAATTAGGATCTTTACCGGAAAACTTTTCAAATATTA-3'
Protein context (NP_008835.5, residues 2265-2285): PNSKDNSVGI[Gln2275Arg]LLGIVMANDL